The following is an entry in ClinVar:

NM_018139.3(DNAAF2):c.1400C>T (p.Ser467Phe)

Gene: DNAAF2 (dynein axonemal assembly factor 2; minus strand). Cytogenetic location: 14q21.3.
Variant type: single nucleotide variant.
Coding change: c.1400C>T on transcript NM_018139.3 (MANE Select); coding-DNA position 1400, C replaced by T.
Protein change: p.Ser467Phe; replaces serine 467 with phenylalanine.
Molecular consequence: missense variant. On other transcripts: 5 prime UTR variant (1).
Genome position (GRCh38, 1-based): chr14:49,633,750, G>A on the plus strand (C>T on the coding strand, the complement: DNAAF2 is on the minus strand). VCF-style: chr14-49633750-G-A. GRCh37 (hg19) VCF-style: chr14-50100468-G-A.
Other names: c.1400C>T, p.Ser467Phe (NM_001083908.2); c.-472C>T (NM_001378453.1); short protein forms S467F.
Identifiers: ClinVar variation 2419760 (VCV002419760.14), dbSNP rs562335055, ClinGen allele CA389627620.
Genomic context (GRCh38, chr14:49,633,750, plus strand): 5'-CGCGCACTCTCTCTTCCCGCAGAAGAACCCCACGCCAGGCTCCGGGAGGACAAACAAGGG[G>A]AGCCTCCGCCACCAGGTGAGTTTTCTCCTCCAGGAGATGGCTCCTCCACGCTGCCCGGCG-3'
Protein context (NP_060609.2, residues 457-477): GGENSPGGGG[Ser467Phe]PCLSSRSLAW

ClinVar aggregate classification (germline): Uncertain significance (1 of 4 stars; one submission).

Conditions:
Primary ciliary dyskinesia. Also called: Ciliary dyskinesia. Identifiers: Orphanet 244, MedGen C0008780, MONDO:0016575, HP:0012265.

Allele frequency attached by ClinVar (database versions not stated): gnomAD exomes below 0.00001.

Submission:

Labcorp Genetics (formerly Invitae), Labcorp
Classification: Uncertain significance for Primary ciliary dyskinesia. Last evaluated: 2022-03-19. Review status: criteria provided, single submitter. Criteria: Invitae Variant Classification Sherloc (09022015). Collection method: clinical testing. Allele origin: germline.
Comment: In summary, the available evidence is currently insufficient to determine the role of this variant in disease. Therefore, it has been classified as a Variant of Uncertain Significance. Algorithms developed to predict the effect of missense changes on protein structure and function output the following: SIFT: "Tolerated"; PolyPhen-2: "Benign"; Align-GVGD: "Class C0". The phenylalanine amino acid residue is found in multiple mammalian species, which suggests that this missense change does not adversely affect protein function. This variant has not been reported in the literature in individuals affected with DNAAF2-related conditions. This variant is present in population databases (no rsID available, gnomAD 0.004%). This sequence change replaces serine, which is neutral and polar, with phenylalanine, which is neutral and non-polar, at codon 467 of the DNAAF2 protein (p.Ser467Phe).